The following is an entry in ClinVar:

NM_024809.5(TCTN2):c.577A>G (p.Asn193Asp)

Gene: TCTN2 (tectonic family member 2; plus strand). Cytogenetic location: 12q24.31.
Variant type: single nucleotide variant.
Coding change: c.577A>G on transcript NM_024809.5 (MANE Select); coding-DNA position 577, A replaced by G.
Protein change: p.Asn193Asp; replaces asparagine 193 with aspartic acid.
Molecular consequence: missense variant.
Genome position (GRCh38, 1-based): chr12:123,686,848, A>G. VCF-style: chr12-123686848-A-G. GRCh37 (hg19) VCF-style: chr12-124171395-A-G.
Other names: c.574A>G, p.Asn192Asp (NM_001143850.3); c.577A>G, p.Asn193Asp (NM_001410989.1); short protein forms N193D, N192D.
Identifiers: ClinVar variation 1896575 (VCV001896575.5), dbSNP rs370944870, ClinGen allele CA6860935.

ClinVar aggregate classification (germline): Uncertain significance (1 of 4 stars; one submission).

Conditions:
Meckel-Gruber syndrome. Also called: DYSENCEPHALIA SPLANCHNOCYSTICA; GRUBER SYNDROME; Dysencephalia splachnocystica. Identifiers: Orphanet 564, MedGen C0265215, MONDO:0018921.
Joubert syndrome. Also called: CEREBELLOPARENCHYMAL DISORDER IV; JOUBERT-BOLTSHAUSER SYNDROME; Familial aplasia of the vermis. Identifiers: Orphanet 475, MedGen C5979921, MONDO:0018772.

gnomAD v4.1: 4 of 1,614,168 alleles (0.00025%); highest among the groups gnomAD compares: Non-Finnish European, 0.00025%; no homozygotes.

Submission:

Labcorp Genetics (formerly Invitae), Labcorp
Classification: Uncertain significance for Joubert syndrome; Meckel-Gruber syndrome. Last evaluated: 2022-06-15. Review status: criteria provided, single submitter. Criteria: Invitae Variant Classification Sherloc (09022015). Collection method: clinical testing. Allele origin: germline.
Comment: In summary, the available evidence is currently insufficient to determine the role of this variant in disease. Therefore, it has been classified as a Variant of Uncertain Significance. Algorithms developed to predict the effect of missense changes on protein structure and function output the following: SIFT: "Tolerated"; PolyPhen-2: "Benign"; Align-GVGD: "Class C0". The aspartic acid amino acid residue is found in multiple mammalian species, which suggests that this missense change does not adversely affect protein function. This sequence change replaces asparagine, which is neutral and polar, with aspartic acid, which is acidic and polar, at codon 193 of the TCTN2 protein (p.Asn193Asp). This variant is present in population databases (rs370944870, gnomAD 0.004%). This variant has not been reported in the literature in individuals affected with TCTN2-related conditions.